The following is an entry in ClinVar:

ClinVar aggregate classification (germline): Uncertain significance. Review status: criteria provided, multiple submitters, no conflicts (2 of 4 stars). 4 submissions from 4 submitters: Uncertain significance (4). Last evaluated 2025-09-04.

Conditions:
Inborn genetic diseases. Identifiers: MedGen C0950123, MeSH D030342.
Jalili syndrome. Also called: CONE-ROD DYSTROPHY AND AMELOGENESIS IMPERFECTA. Identifiers: Orphanet 1873, MedGen C3495589, MONDO:0009007, OMIM 217080.

Allele frequency attached by ClinVar (database versions not stated): ExAC 0.00003; gnomAD 0.00004 and 0.00006; gnomAD exomes 0.00004 and 0.00006; TOPMed 0.00006.
gnomAD v4.1: 100 of 1,614,040 alleles (0.0062%); highest among the groups gnomAD compares: Admixed American, 0.0083%; no homozygotes.

Submissions (4):

Ambry Genetics
Classification: Uncertain significance for Inborn genetic diseases. Last evaluated: 2025-09-04. Review status: criteria provided, single submitter. Criteria: Ambry Variant Classification Scheme 2023. Collection method: clinical testing. Allele origin: germline.

Blueprint Genetics
Classification: Uncertain significance. Last evaluated: 2023-11-08. Review status: criteria provided, single submitter. Criteria: ACMG Guidelines, 2015. Collection method: clinical testing. Allele origin: germline.

Labcorp Genetics (formerly Invitae), Labcorp
Classification: Uncertain significance. Last evaluated: 2023-06-30. Review status: criteria provided, single submitter. Criteria: Invitae Variant Classification Sherloc (09022015). Collection method: clinical testing. Allele origin: germline.
Comment: ClinVar contains an entry for this variant (Variation ID: 896490). Advanced modeling of protein sequence and biophysical properties (such as structural, functional, and spatial information, amino acid conservation, physicochemical variation, residue mobility, and thermodynamic stability) has been performed at Invitae for this missense variant, however the output from this modeling did not meet the statistical confidence thresholds required to predict the impact of this variant on CNNM4 protein function. In summary, the available evidence is currently insufficient to determine the role of this variant in disease. Therefore, it has been classified as a Variant of Uncertain Significance. This variant has not been reported in the literature in individuals affected with CNNM4-related conditions. The frequency data for this variant in the population databases is considered unreliable, as metrics indicate poor data quality at this position in the gnomAD database. This sequence change replaces arginine, which is basic and polar, with glutamine, which is neutral and polar, at codon 523 of the CNNM4 protein (p.Arg523Gln).

Illumina Laboratory Services, Illumina
Classification: Uncertain significance for Jalili syndrome. Last evaluated: 2018-01-13. Review status: criteria provided, single submitter. Criteria: ICSL Variant Classification Criteria 13 December 2019. Collection method: clinical testing. Allele origin: germline.

NM_020184.4(CNNM4):c.1568G>A (p.Arg523Gln)

Gene: CNNM4 (cyclin and CBS domain divalent metal cation transport mediator 4; plus strand). Cytogenetic location: 2q11.2.
Variant type: single nucleotide variant.
Coding change: c.1568G>A on transcript NM_020184.4 (MANE Select); coding-DNA position 1568, G replaced by A.
Protein change: p.Arg523Gln; replaces arginine 523 with glutamine.
Molecular consequence: missense variant.
Genome position (GRCh38, 1-based): chr2:96,797,534, G>A. VCF-style: chr2-96797534-G-A. GRCh37 (hg19) VCF-style: chr2-97463271-G-A.
Other names: short protein forms R523Q.
Identifiers: ClinVar variation 896490 (VCV000896490.12), dbSNP rs750374054, ClinGen allele CA1783404.
Genomic context (GRCh38, chr2:96,797,534, plus strand): 5'-GGGGTCTGTGTTCTCAATTCCACGCTCTTCTTCCGGCAGCTGACAACCGAAGCCGGAAGC[G>A]GGTGTCTGAGAAGAACAAGCGTGACTTCTCTGCCTTCAAGGATGCGGACAATGAGCTCAA-3'
Protein context (NP_064569.3, residues 513-533): DMYTDNRSRK[Arg523Gln]VSEKNKRDFS